The following is an entry in ClinVar:

NM_017636.4(TRPM4):c.2657G>T (p.Gly886Val)

Gene: TRPM4 (transient receptor potential cation channel subfamily M member 4; plus strand). Cytogenetic location: 19q13.33.
Variant type: single nucleotide variant.
Coding change: c.2657G>T on transcript NM_017636.4 (MANE Select); coding-DNA position 2657, G replaced by T.
Protein change: p.Gly886Val; replaces glycine 886 with valine.
Molecular consequence: missense variant.
Genome position (GRCh38, 1-based): chr19:49,200,311, G>T. VCF-style: chr19-49200311-G-T. GRCh37 (hg19) VCF-style: chr19-49703568-G-T.
Other names: c.2222G>T, p.Gly741Val (NM_001195227.2); c.2312G>T, p.Gly771Val (NM_001321281.2); c.1049G>T, p.Gly350Val (NM_001321282.2); c.2135G>T, p.Gly712Val (NM_001321283.2); c.1595G>T, p.Gly532Val (NM_001321285.2); short protein forms G350V, G532V, G712V, G741V, G771V, G886V.
Identifiers: ClinVar variation 1794397 (VCV001794397.2), dbSNP rs1165294089, ClinGen allele CA406809999.
Genomic context (GRCh38, chr19:49,200,311, plus strand): 5'-CTTGGCGTCTTGTGACACTTGACCCTTGTGGCATCTCCCCACACCCCAGGCTGACCCCGG[G>T]TTTGTACCACCTGGGCCGCACTGTCCTCTGCATCGACTTCATGGTTTTCACGGTGCGGCT-3'
Protein context (NP_060106.2, residues 876-896): LLGVGCRLTP[Gly886Val]LYHLGRTVLC

ClinVar aggregate classification (germline): Uncertain significance (1 of 4 stars; one submission).

Conditions:
Cardiovascular phenotype. Identifiers: MedGen CN230736.

Allele frequency attached by ClinVar (database versions not stated): TOPMed below 0.00001; gnomAD 0.00001.
gnomAD v4.1: 1 of 1,613,982 alleles (0.000062%); highest among the groups gnomAD compares: African/African-American, 0.0013%; no homozygotes.

Submission:

Ambry Genetics
Classification: Uncertain significance for Cardiovascular phenotype. Last evaluated: 2019-01-10. Review status: criteria provided, single submitter. Criteria: Ambry Variant Classification Scheme 2023. Collection method: clinical testing. Allele origin: germline.
Comment: The p.G886V variant (also known as c.2657G>T), located in coding exon 18 of the TRPM4 gene, results from a G to T substitution at nucleotide position 2657. The glycine at codon 886 is replaced by valine, an amino acid with dissimilar properties. This amino acid position is not well conserved in available vertebrate species. In addition, this alteration is predicted to be tolerated by in silico analysis. Since supporting evidence is limited at this time, the clinical significance of this alteration remains unclear.